The following is an entry in ClinVar:

NM_000245.4(MET):c.353T>G (p.Met118Arg)

Gene: MET (MET proto-oncogene, receptor tyrosine kinase; plus strand). Cytogenetic location: 7q31.2.
Variant type: single nucleotide variant.
Coding change: c.353T>G on transcript NM_000245.4 (MANE Select); coding-DNA position 353, T replaced by G.
Protein change: p.Met118Arg; replaces methionine 118 with arginine.
Molecular consequence: missense variant. On other transcripts: intron variant (1).
Genome position (GRCh38, 1-based): chr7:116,699,437, T>G. VCF-style: chr7-116699437-T-G. GRCh37 (hg19) VCF-style: chr7-116339491-T-G.
Other names: c.353T>G, p.Met118Arg (NM_001127500.3, NM_001324401.3); c.-91+26860T>G (NM_001324402.2); short protein forms M118R.
Identifiers: ClinVar variation 1462170 (VCV001462170.8), dbSNP rs2116586678, ClinGen allele CA368968891.

ClinVar aggregate classification (germline): Uncertain significance (1 of 4 stars; one submission).

Conditions:
Renal cell carcinoma. Identifiers: Orphanet 217071, MedGen C0007134, MeSH D002292, MONDO:0005086, HP:0005584.

Submission:

Labcorp Genetics (formerly Invitae), Labcorp
Classification: Uncertain significance for Renal cell carcinoma. Last evaluated: 2021-07-10. Review status: criteria provided, single submitter. Criteria: Invitae Variant Classification Sherloc (09022015). Collection method: clinical testing. Allele origin: germline.
Comment: This variant has not been reported in the literature in individuals affected with MET-related conditions. This sequence change replaces methionine with arginine at codon 118 of the MET protein (p.Met118Arg). The methionine residue is moderately conserved and there is a moderate physicochemical difference between methionine and arginine. This variant is not present in population databases (ExAC no frequency). Algorithms developed to predict the effect of missense changes on protein structure and function are either unavailable or do not agree on the potential impact of this missense change (SIFT: "Deleterious"; PolyPhen-2: "Benign"; Align-GVGD: "Class C0"). In summary, the available evidence is currently insufficient to determine the role of this variant in disease. Therefore, it has been classified as a Variant of Uncertain Significance.